The following is an entry in ClinVar:

NM_003896.4(ST3GAL5):c.37C>A (p.Pro13Thr)

Genes: ST3GAL5 (ST3 beta-galactoside alpha-2,3-sialyltransferase 5; minus strand), LOC129934236 (ATAC-STARR-seq lymphoblastoid silent region 11709; plus strand). Cytogenetic location: 2p11.2.
Variant type: single nucleotide variant.
Coding change: c.37C>A on transcript NM_003896.4 (MANE Select); coding-DNA position 37, C replaced by A.
Protein change: p.Pro13Thr; replaces proline 13 with threonine.
Molecular consequence: missense variant. On other transcripts: 5 prime UTR variant (6).
Genome position (GRCh38, 1-based): chr2:85,888,869, G>T on the plus strand (C>A on the coding strand, the complement: ST3GAL5 is on the minus strand). VCF-style: chr2-85888869-G-T. GRCh37 (hg19) VCF-style: chr2-86115992-G-T.
Other names: c.-926C>A (NM_001354223.2); c.-588C>A (NM_001354224.2); c.-525C>A (NM_001354226.2); c.-235C>A (NM_001354227.2); c.-179C>A (NM_001354229.2); c.-965C>A (NM_001354233.2); c.37C>A, p.Pro13Thr (NM_001363847.1); short protein forms P13T.
Identifiers: ClinVar variation 1410392 (VCV001410392.5), dbSNP rs559756386, ClinGen allele CA347536144.

ClinVar aggregate classification (germline): Uncertain significance (1 of 4 stars; one submission).

Conditions:
GM3 synthase deficiency (SPDRS). Also called: AMISH INFANTILE EPILEPSY SYNDROME; SALT AND PEPPER MENTAL RETARDATION SYNDROME; SALT AND PEPPER DEVELOPMENTAL REGRESSION SYNDROME. Identifiers: Orphanet 171714, Orphanet 370933, MedGen C1836824, MONDO:0018274, OMIM 609056.

gnomAD v4.1: 5 of 1,366,408 alleles (0.00037%); highest among the groups gnomAD compares: Admixed American, 0.0053%; no homozygotes.

Submission:

Labcorp Genetics (formerly Invitae), Labcorp
Classification: Uncertain significance for GM3 synthase deficiency. Last evaluated: 2022-05-06. Review status: criteria provided, single submitter. Criteria: Invitae Variant Classification Sherloc (09022015). Collection method: clinical testing. Allele origin: germline.
Comment: This sequence change replaces proline, which is neutral and non-polar, with threonine, which is neutral and polar, at codon 13 of the ST3GAL5 protein (p.Pro13Thr). The frequency data for this variant in the population databases is considered unreliable, as metrics indicate poor data quality at this position in the gnomAD database. This variant has not been reported in the literature in individuals affected with ST3GAL5-related conditions. Algorithms developed to predict the effect of missense changes on protein structure and function are either unavailable or do not agree on the potential impact of this missense change (SIFT: "Deleterious"; PolyPhen-2: "Benign"; Align-GVGD: "Class C0"). In summary, the available evidence is currently insufficient to determine the role of this variant in disease. Therefore, it has been classified as a Variant of Uncertain Significance.